The following is an entry in ClinVar:

ClinVar aggregate classification (germline): Pathogenic/Likely pathogenic. Review status: criteria provided, multiple submitters, no conflicts (2 of 4 stars). 4 submissions from 4 submitters: Pathogenic (2); Likely pathogenic (1). 1 of the submissions does not count toward it. Last evaluated 2026-02-09.

Conditions:
LCAT-related disorder. Also called: LCAT-related condition.
Cardiovascular phenotype. Identifiers: MedGen CN230736.
LCAT deficiency. Also called: Lecithin Acyltransferase Deficiency. Identifiers: Orphanet 650, Orphanet 79293, MedGen C5779633, MONDO:0018999.

Submissions (4):

PreventionGenetics, part of Exact Sciences
Classification: Likely pathogenic for LCAT-related condition. Last evaluated: 2026-02-09. Review status: criteria provided, single submitter. Criteria: ACMG Guidelines, 2015. Collection method: clinical testing. Allele origin: germline.
Comment: The LCAT c.101dupC variant is predicted to result in a frameshift and premature protein termination (p.His35Alafs*7). This variant has been detected homozygous or compound heterozygous with a second pathogenic variant in 2 patients with LCAT deficiency (Bujo et al. 1991. PubMed ID: 1662503, Mehta et al. 2021. PubMed ID: 34256778). It’s also been seen in the heterozygous state in an individual with low HDL cholesterol (Geller et al. 2018. PubMed ID: 30333156). This variant has not been reported in a large population database (gnomAD), indicating this variant is rare. Frameshift variants in LCAT are expected to be pathogenic. This variant is interpreted as likely pathogenic.

Labcorp Genetics (formerly Invitae), Labcorp
Classification: Pathogenic. Last evaluated: 2023-04-06. Review status: criteria provided, single submitter. Criteria: Invitae Variant Classification Sherloc (09022015). Collection method: clinical testing. Allele origin: germline.
Comment: This sequence change creates a premature translational stop signal (p.His35Alafs*7) in the LCAT gene. It is expected to result in an absent or disrupted protein product. Loss-of-function variants in LCAT are known to be pathogenic (PMID: 15994445). This variant is not present in population databases (gnomAD no frequency). This premature translational stop signal has been observed in individual(s) with clinical features of lecithin-cholesterol acyltransferase (LCAT) deficiency (PMID: 30333156). ClinVar contains an entry for this variant (Variation ID: 3661). For these reasons, this variant has been classified as Pathogenic.

Ambry Genetics
Classification: Pathogenic for Cardiovascular phenotype. Last evaluated: 2021-04-14. Review status: criteria provided, single submitter. Criteria: Ambry Variant Classification Scheme 2023. Collection method: clinical testing. Allele origin: germline.
Comment: The c.101dupC pathogenic mutation, located in coding exon 1 of the LCAT gene, results from a duplication of C at nucleotide position 101, causing a translational frameshift with a predicted alternate stop codon (p.H35Afs*7). The predicted stop codon occurs within the first 150 nucleotides of the LCAT gene. This alteration may escape nonsense-mediated mRNAdecay and/or be rescued by re-initiation (Rivas et al. Science. 2015 May 8;348(6235):666-9; Lindeboom et al. Nat Genet. 2016 Oct;48(10):1112-8; Rhee et al. Sci Rep. 2017 May 10;7(1):1653). However, a significant portion of the protein is affected, and the impacted region is critical for protein function (Schindler PA et al. Protein Sci, 1995 Apr;4:791-803; Peelman F et al. Protein Sci, 1998 Mar;7:587-99; Piper DE et al. J Lipid Res, 2015 Sep;56:1711-9; Glukhova A et al. Nat Commun, 2015 Mar;6:6250). This variant (also referred to as an insertion of C in a string of 6 at position 932-937) has been detected in the homozygous state in an individual with LCAT deficiency, corneal opacities, anemia, and renal disease, and in the heterozygous state in an individual with low HDL cholesterol (Bujo H et al. Biochem Biophys Res Commun, 1991 Dec;181:933-40; Geller AS et al. J Lipid Res, 2018 12;59:2421-2435). Combined, the functional and structural evidence from these studies have shown patients homozygous for this and other mutations predicted to truncate the protein within the first coding exon, demonstrate absent or nearly absent LCAT plasma protein and little to no LCAT enzyme activity in the blood, a result consistent with the removal of many of the sites expected to be most involved in the enzyme's catalytic activity. Furthermore, heterozygous carriers of LCAT mutations have been shown to have variably penetrant expression in a gene-dosage effect pattern, most frequently seen as lower than normal HDL cholesterol, which could contribute to an increased risk for coronary heart disease (Calabresi L et al. Arterioscler Thromb Vasc Biol, 2005 Sep;25:1972-8; Calabresi L et al. Atherosclerosis, 2012 Jun;222:299-306). Based on the supporting evidence, this alteration is interpreted as a disease-causing mutation.

OMIM
Classification: Pathogenic for LCAT DEFICIENCY. Last evaluated: 1991-12-31. Review status: no assertion criteria provided. Collection method: literature only. Allele origin: germline. Not counted in ClinVar's aggregate classification.

Literature cited by the submitters: PubMed 15994445 (cited by Labcorp Genetics (formerly Invitae), Labcorp and Ambry Genetics); PubMed 30333156 (cited by Labcorp Genetics (formerly Invitae), Labcorp and Ambry Genetics); PubMed 1662503 (cited by Ambry Genetics and OMIM); PubMed 22189200 (cited by Ambry Genetics); PubMed 25727495 (cited by Ambry Genetics); PubMed 26195816 (cited by Ambry Genetics); PubMed 29030428 (cited by Ambry Genetics); PubMed 7613477 (cited by Ambry Genetics); PubMed 9541390 (cited by Ambry Genetics).

NM_000229.2(LCAT):c.101dup (p.His35fs)

Genes: LCAT (lecithin-cholesterol acyltransferase; minus strand), SLC12A4 (solute carrier family 12 member 4; minus strand). Cytogenetic location: 16q22.1.
Variant type: Duplication.
Coding change: c.101dup on transcript NM_000229.2 (MANE Select); coding-DNA position 101, one base duplicated (C; older notation c.101dupC).
Protein change: p.His35fs; shifts the reading frame from histidine 35.
Molecular consequence: frameshift variant. On other transcripts: 3 prime UTR variant (5).
Genome position (GRCh38, 1-based): chr16:67,944,001, G duplicated on the plus strand (C on the coding strand, the reverse complement: LCAT is on the minus strand); the first of 6 consecutive G bases (chr16:67,944,001-67,944,006); duplicating any one gives the same sequence. VCF-style (leftmost placement, unchanged base first): chr16-67944000-C-CG. GRCh37 (hg19) VCF-style: chr16-67977903-C-CG.
Other names: c.*839dup (NM_001145961.2, NM_001145962.1, NM_001145963.2 and 2 more transcripts); c.101dupC (NM_000229.1); short protein forms H35fs.
Identifiers: ClinVar variation 3661 (VCV000003661.8), dbSNP rs967875404, ClinGen allele CA283164312.